The following is an entry in ClinVar:

ClinVar aggregate classification (germline): Conflicting classifications of pathogenicity. Review status: criteria provided, conflicting classifications (1 of 4 stars). 4 submissions from 4 submitters: Uncertain significance (1); Likely benign (3). Last evaluated 2025-12-21.

Conditions:
Charlevoix-Saguenay spastic ataxia (SACS). Also called: SPASTIC ATAXIA 6, AUTOSOMAL RECESSIVE; AUTOSOMAL RECESSIVE SPASTIC ATAXIA OF CHARLEVOIX-SAGUENAY; Spastic ataxia of Charlevoix-Saguenay. Identifiers: Orphanet 98, MedGen C1849140, MONDO:0010041, OMIM 270550.
Spastic paraplegia. Identifiers: MedGen C0037772, HP:0001258.

Allele frequency attached by ClinVar (database versions not stated): TOPMed 0.00001; ExAC 0.00003.
gnomAD v4.1: 47 of 1,612,918 alleles (0.0029%); highest among the groups gnomAD compares: South Asian, 0.023%; no homozygotes.

Submissions (4):

Labcorp Genetics (formerly Invitae), Labcorp
Classification: Likely benign for Spastic paraplegia. Last evaluated: 2025-12-21. Review status: criteria provided, single submitter. Criteria: Invitae Variant Classification Sherloc (09022015). Collection method: clinical testing. Allele origin: germline.

Mayo Clinic Laboratories, Mayo Clinic
Classification: Likely benign. Last evaluated: 2025-08-06. Review status: criteria provided, single submitter. Criteria: ACMG Guidelines, 2015. Collection method: clinical testing. Allele origin: germline. Observed: 1 variant allele.
Comment: BP4, BP7

Genome-Nilou Lab
Classification: Likely benign for Charlevoix-Saguenay spastic ataxia. Last evaluated: 2021-09-05. Review status: criteria provided, single submitter. Criteria: ACMG Guidelines, 2015. Collection method: clinical testing. Allele origin: germline. Affected: no.

Illumina Laboratory Services, Illumina
Classification: Uncertain significance for Charlevoix-Saguenay spastic ataxia. Last evaluated: 2018-01-13. Review status: criteria provided, single submitter. Criteria: ICSL Variant Classification Criteria 13 December 2019. Collection method: clinical testing. Allele origin: germline.

NM_014363.6(SACS):c.4986G>A (p.Thr1662=)

Gene: SACS (sacsin molecular chaperone; minus strand). Cytogenetic location: 13q12.12.
Variant type: single nucleotide variant.
Coding change: c.4986G>A on transcript NM_014363.6 (MANE Select); coding-DNA position 4986, G replaced by A.
Protein change: p.Thr1662=; no amino-acid change (threonine 1662 retained).
Molecular consequence: synonymous variant.
Genome position (GRCh38, 1-based): chr13:23,338,890, C>T on the plus strand (G>A on the coding strand, the complement: SACS is on the minus strand). VCF-style: chr13-23338890-C-T. GRCh37 (hg19) VCF-style: chr13-23913029-C-T.
Other names: p.Thr1662=; c.4545G>A, p.Thr1515= (NM_001278055.2).
Identifiers: ClinVar variation 880909 (VCV000880909.16), dbSNP rs755523201, ClinGen allele CA6911312.
Genomic context (GRCh38, chr13:23,338,890, plus strand): 5'-CCTGTGTCCACAGAGACTAAATTCATCCACAAGAGAATAAATATCTGCTGTATTGTAGCA[C>T]GTACTACTAACTTCACTCACTTTTGCTTCCTGTTGAGTTCTAAAGGACAGTCGGAAAAGG-3'
Protein context (NP_055178.3, residues 1652-1672): QEAKVSEVSS[Thr1662=]CYNTADIYSL